The following is an entry in ClinVar:

ClinVar aggregate classification (germline): Uncertain significance. Review status: criteria provided, multiple submitters, no conflicts (2 of 4 stars). 2 submissions from 2 submitters: Uncertain significance (2). Last evaluated 2022-11-01.

Conditions:
Inborn genetic diseases. Identifiers: MedGen C0950123, MeSH D030342.
Charcot-Marie-Tooth disease type 4. Also called: Charcot-Marie-Tooth disease, type IV; Charcot-Marie-Tooth, Type 4. Identifiers: Orphanet 64749, MedGen C4082197, MONDO:0018995.

Allele frequency attached by ClinVar (database versions not stated): gnomAD exomes 0.00001; ExAC 0.00002; TOPMed 0.00002; gnomAD 0.00004; 1000 Genomes Project 30x 0.00016; 1000 Genomes Project 0.00020.
gnomAD v4.1: 17 of 1,613,788 alleles (0.0011%); highest among the groups gnomAD compares: African/African-American, 0.008%; no homozygotes.

Submissions (2):

Labcorp Genetics (formerly Invitae), Labcorp
Classification: Uncertain significance for Charcot-Marie-Tooth disease type 4. Last evaluated: 2022-11-01. Review status: criteria provided, single submitter. Criteria: Invitae Variant Classification Sherloc (09022015). Collection method: clinical testing. Allele origin: germline.
Comment: This sequence change replaces arginine, which is basic and polar, with tryptophan, which is neutral and slightly polar, at codon 1057 of the SBF2 protein (p.Arg1057Trp). The frequency data for this variant in the population databases is considered unreliable, as metrics indicate poor data quality at this position in the gnomAD database. This variant has not been reported in the literature in individuals affected with SBF2-related conditions. ClinVar contains an entry for this variant (Variation ID: 543431). Advanced modeling of protein sequence and biophysical properties (such as structural, functional, and spatial information, amino acid conservation, physicochemical variation, residue mobility, and thermodynamic stability) performed at Invitae indicates that this missense variant is expected to disrupt SBF2 protein function. In summary, the available evidence is currently insufficient to determine the role of this variant in disease. Therefore, it has been classified as a Variant of Uncertain Significance.

Ambry Genetics
Classification: Uncertain significance for Inborn genetic diseases. Last evaluated: 2020-01-08. Review status: criteria provided, single submitter. Criteria: Ambry Variant Classification Scheme 2023. Collection method: clinical testing. Allele origin: germline.
Comment: The p.R1057W variant (also known as c.3169C>T), located in coding exon 25 of the SBF2 gene, results from a C to T substitution at nucleotide position 3169. The arginine at codon 1057 is replaced by tryptophan, an amino acid with dissimilar properties. This amino acid position is highly conserved in available vertebrate species. In addition, this alteration is predicted to be deleterious by in silico analysis. Since supporting evidence is limited at this time, the clinical significance of this alteration remains unclear.

NM_030962.4(SBF2):c.3169C>T (p.Arg1057Trp)

Genes: SBF2 (SET binding factor 2; minus strand), LOC101928008 (uncharacterized LOC101928008; plus strand). Cytogenetic location: 11p15.4.
Variant type: single nucleotide variant.
Coding change: c.3169C>T on transcript NM_030962.4 (MANE Select); coding-DNA position 3169, C replaced by T.
Protein change: p.Arg1057Trp; replaces arginine 1057 with tryptophan.
Molecular consequence: missense variant.
Genome position (GRCh38, 1-based): chr11:9,842,712, G>A on the plus strand (C>T on the coding strand, the complement: SBF2 is on the minus strand). VCF-style: chr11-9842712-G-A. GRCh37 (hg19) VCF-style: chr11-9864259-G-A.
Other names: c.3169C>T, p.Arg1057Trp (NM_001386339.1); c.3040C>T, p.Arg1014Trp (NM_001386342.1); short protein forms R1057W, R1014W.
Identifiers: ClinVar variation 543431 (VCV000543431.8), dbSNP rs536949808, ClinGen allele CA5881354.